The following is an entry in ClinVar:

NM_000245.4(MET):c.1451A>C (p.His484Pro)

Gene: MET (MET proto-oncogene, receptor tyrosine kinase; plus strand). Cytogenetic location: 7q31.2.
Variant type: single nucleotide variant.
Coding change: c.1451A>C on transcript NM_000245.4 (MANE Select); coding-DNA position 1451, A replaced by C.
Protein change: p.His484Pro; replaces histidine 484 with proline.
Molecular consequence: missense variant.
Genome position (GRCh38, 1-based): chr7:116,740,008, A>C. VCF-style: chr7-116740008-A-C. GRCh37 (hg19) VCF-style: chr7-116380062-A-C.
Other names: c.1451A>C, p.His484Pro (NM_001127500.3, NM_001324401.3); c.161A>C, p.His54Pro (NM_001324402.2); short protein forms H484P, H54P.
Identifiers: ClinVar variation 4647882 (VCV004647882.1).
Genomic context (GRCh38, chr7:116,740,008, plus strand): 5'-AGGTTGTGGTTTCTCGATCAGGACCATCAACCCCTCATGTGAATTTTCTCCTGGACTCCC[A>C]TCCAGTGTCTCCAGAAGTGATTGTGGAGCATACATTAAACCAAAATGGCTACACACTGGT-3'
Protein context (NP_000236.2, residues 474-494): TPHVNFLLDS[His484Pro]PVSPEVIVEH

ClinVar aggregate classification (germline): Uncertain significance (1 of 4 stars; one submission).

Conditions:
Hereditary cancer-predisposing syndrome. Also called: Neoplastic Syndromes, Hereditary; Tumor predisposition; Hereditary Cancer Syndrome; Hereditary neoplastic syndrome. Identifiers: Orphanet 140162, MedGen C0027672, MeSH D009386, MONDO:0015356.

Submission:

Ambry Genetics
Classification: Uncertain significance for Hereditary cancer-predisposing syndrome. Last evaluated: 2025-11-04. Review status: criteria provided, single submitter. Criteria: Ambry Variant Classification Scheme 2023. Collection method: clinical testing. Allele origin: germline.
Comment: The p.H484P variant (also known as c.1451A>C), located in coding exon 3 of the MET gene, results from an A to C substitution at nucleotide position 1451. The histidine at codon 484 is replaced by proline, an amino acid with similar properties. This amino acid position is well conserved in available vertebrate species. In addition, this alteration is predicted to be tolerated by in silico analysis. Based on the available evidence, the clinical significance of this variant remains unclear.